The following is an entry in ClinVar:

ClinVar aggregate classification (germline): Uncertain significance (1 of 4 stars; one submission).

Submission:

GeneDx
Classification: Uncertain significance. Last evaluated: 2025-01-29. Review status: criteria provided, single submitter. Criteria: GeneDx Variant Classification Process June 2021. Collection method: clinical testing. Allele origin: germline. Affected: yes.
Comment: Not observed at significant frequency in large population cohorts (gnomAD); In silico analysis supports that this missense variant has a deleterious effect on protein structure/function; Has not been previously published as pathogenic or benign to our knowledge

NM_015215.4(CAMTA1):c.4669T>G (p.Cys1557Gly)

Gene: CAMTA1 (calmodulin binding transcription activator 1; plus strand). Cytogenetic location: 1p36.23.
Variant type: single nucleotide variant.
Coding change: c.4669T>G on transcript NM_015215.4 (MANE Select); coding-DNA position 4669, T replaced by G.
Protein change: p.Cys1557Gly; replaces cysteine 1557 with glycine.
Molecular consequence: missense variant.
Genome position (GRCh38, 1-based): chr1:7,747,761, T>G. VCF-style: chr1-7747761-T-G. GRCh37 (hg19) VCF-style: chr1-7807821-T-G.
Other names: c.4579T>G, p.Cys1527Gly (NM_001349608.2); c.4330T>G, p.Cys1444Gly (NM_001349609.2, NM_001349610.2, NM_001410737.1); c.4240T>G, p.Cys1414Gly (NM_001349612.2); c.1798T>G, p.Cys600Gly (NM_001349613.1); c.1741T>G, p.Cys581Gly (NM_001349614.1, NM_001349615.2, NM_001349616.2 and 2 more transcripts); c.1402T>G, p.Cys468Gly (NM_001349619.2, NM_001349620.1, NM_001349621.1 and 5 more transcripts); c.4258T>G, p.Cys1420Gly (NM_001410738.1); short protein forms C1414G, C1420G, C1444G, C1527G, C1557G, C468G, C581G, C600G.
Identifiers: ClinVar variation 4072473 (VCV004072473.1).